The following is an entry in ClinVar:

NM_005718.5(ARPC4):c.4-7C>A

Genes: ARPC4 (actin related protein 2/3 complex subunit 4; plus strand), ARPC4-TTLL3 (ARPC4-TTLL3 readthrough; plus strand). Cytogenetic location: 3p25.3.
Variant type: single nucleotide variant.
Coding change: c.4-7C>A on transcript NM_005718.5 (MANE Select); 7 bases into the intron before coding-DNA position 4, C replaced by A.
Molecular consequence: intron variant.
Genome position (GRCh38, 1-based): chr3:9,797,652, C>A. VCF-style: chr3-9797652-C-A. GRCh37 (hg19) VCF-style: chr3-9839336-C-A.
Other names: NC_000003.11:g.9839336C>A; c.-267-7C>A (NM_001024959.3, NM_001024960.3); c.61-7C>A (NM_001198780.3); c.4-7C>A (NM_001198793.1).
Identifiers: ClinVar variation 3904881 (VCV003904881.11).

ClinVar aggregate classification (germline): Likely benign (1 of 4 stars; one submission).

gnomAD v4.1: 4,092 of 1,612,866 alleles (0.25%); highest among the groups gnomAD compares: Non-Finnish European, 0.27%; 12 homozygotes.

Submissions (2):

CeGaT Center for Human Genetics Tuebingen
Classification: Likely benign. Last evaluated: 2026-06-01. Review status: criteria provided, single submitter. Criteria: CeGaT Center For Human Genetics Tuebingen Variant Classification Criteria Version 2. Collection method: clinical testing. Allele origin: germline. Affected: yes. Observed: 9 variant alleles.
Comment: ARPC4: BP4, BS1

Dr. Peter K. Rogan Lab, Western University
No classification provided (evidence only). Condition: Lymphoma. Review status: no classification provided. Collection method: in vitro. Allele origin: not applicable. Functional consequence: skipped exon. Not counted in ClinVar's aggregate classification.